The following is an entry in ClinVar:

NM_001292063.2(OTOG):c.2772C>T (p.His924=)

Gene: OTOG (otogelin; plus strand). Cytogenetic location: 11p15.1.
Variant type: single nucleotide variant.
Coding change: c.2772C>T on transcript NM_001292063.2 (MANE Select); coding-DNA position 2772, C replaced by T.
Protein change: p.His924=; no amino-acid change (histidine 924 retained).
Molecular consequence: synonymous variant.
Genome position (GRCh38, 1-based): chr11:17,586,486, C>T. VCF-style: chr11-17586486-C-T. GRCh37 (hg19) VCF-style: chr11-17608033-C-T.
Other names: c.2808C>T, p.His936= (NM_001277269.2).
Identifiers: ClinVar variation 226876 (VCV000226876.16), dbSNP rs61910692, ClinGen allele CA5905672.

ClinVar aggregate classification (germline): Benign. Review status: criteria provided, multiple submitters, no conflicts (2 of 4 stars). 4 submissions from 4 submitters: Benign (4). Last evaluated 2026-01-27.

Allele frequency attached by ClinVar (database versions not stated): gnomAD exomes 0.00274; ExAC 0.00782; gnomAD 0.01403 and 0.01477; TOPMed 0.01576; 1000 Genomes Project 0.01597; 1000 Genomes Project 30x 0.01780.

Submissions (4):

Labcorp Genetics (formerly Invitae), Labcorp
Classification: Benign. Last evaluated: 2026-01-27. Review status: criteria provided, single submitter. Criteria: Invitae Variant Classification Sherloc (09022015). Collection method: clinical testing. Allele origin: germline.

GeneDx
Classification: Benign. Last evaluated: 2017-11-15. Review status: criteria provided, single submitter. Criteria: GeneDx Variant Classification (06012015). Collection method: clinical testing. Allele origin: germline. Affected: yes.
Comment: This variant is considered likely benign or benign based on one or more of the following criteria: it is a conservative change, it occurs at a poorly conserved position in the protein, it is predicted to be benign by multiple in silico algorithms, and/or has population frequency not consistent with disease.

Laboratory for Molecular Medicine, Mass General Brigham Personalized Medicine
Classification: Benign. Last evaluated: 2014-11-24. Review status: criteria provided, single submitter. Criteria: LMM Criteria. Collection method: clinical testing. Allele origin: germline. Observed: 17 variant alleles.
Comment: His936His in exon 23 of OTOG: This variant is not expected to have clinical sign ificance because it does not alter an amino acid residue and is not located with in the splice consensus sequence. It has been identified in 8.2% (10/122) of Afr ican American chromosomes from a broad population by the 1000 Genomes Project (dbSNP rs61910692).

Breakthrough Genomics
Classification: Benign. Review status: criteria provided, single submitter. Criteria: ACMG Guidelines, 2015. Collection method: not provided. Allele origin: germline. Inheritance: Autosomal recessive inheritance. Affected: yes.